The following is an entry in ClinVar:

NM_004523.4(KIF11):c.211-6C>T

Gene: KIF11 (kinesin family member 11; plus strand). Cytogenetic location: 10q23.33.
Variant type: single nucleotide variant.
Coding change: c.211-6C>T on transcript NM_004523.4 (MANE Select); 6 bases into the intron before coding-DNA position 211, C replaced by T.
Molecular consequence: intron variant.
Genome position (GRCh38, 1-based): chr10:92,606,613, C>T. VCF-style: chr10-92606613-C-T. GRCh37 (hg19) VCF-style: chr10-94366370-C-T.
Other names: c.211-6C>T (NM_004523.3).
Identifiers: ClinVar variation 1081213 (VCV001081213.11), dbSNP rs371010146, ClinGen allele CA5603948.

ClinVar aggregate classification (germline): Likely benign. Review status: criteria provided, multiple submitters, no conflicts (2 of 4 stars). 3 submissions from 3 submitters: Likely benign (3). Last evaluated 2025-09-05.

Conditions:
KIF11-related disorder. Also called: KIF11-related condition.

Allele frequency attached by ClinVar (database versions not stated): ExAC 0.00005; ESP Exome Variant Server 0.00008.

Submissions (3):

PreventionGenetics, part of Exact Sciences
Classification: Likely benign for KIF11-related condition. Last evaluated: 2025-09-05. Review status: criteria provided, single submitter. Criteria: ACMG Guidelines, 2015. Collection method: clinical testing. Allele origin: germline.
Comment: This variant is classified as likely benign based on ACMG/AMP sequence variant interpretation guidelines (Richards et al. 2015 PMID: 25741868, with internal and published modifications).

Labcorp Genetics (formerly Invitae), Labcorp
Classification: Likely benign. Last evaluated: 2025-01-21. Review status: criteria provided, single submitter. Criteria: Invitae Variant Classification Sherloc (09022015). Collection method: clinical testing. Allele origin: germline.

Blueprint Genetics
Classification: Likely benign. Last evaluated: 2023-06-29. Review status: criteria provided, single submitter. Criteria: ACMG Guidelines, 2015. Collection method: clinical testing. Allele origin: germline.